The following is an entry in ClinVar:

NM_145045.5(ODAD3):c.1552G>A (p.Asp518Asn)

Gene: ODAD3 (outer dynein arm docking complex subunit 3; minus strand). Cytogenetic location: 19p13.2.
Variant type: single nucleotide variant.
Coding change: c.1552G>A on transcript NM_145045.5 (MANE Select); coding-DNA position 1552, G replaced by A.
Protein change: p.Asp518Asn; replaces aspartic acid 518 with asparagine.
Molecular consequence: missense variant.
Genome position (GRCh38, 1-based): chr19:11,421,715, C>T on the plus strand (G>A on the coding strand, the complement: ODAD3 is on the minus strand). VCF-style: chr19-11421715-C-T. GRCh37 (hg19) VCF-style: chr19-11532383-C-T.
Other names: c.1390G>A, p.Asp464Asn (NM_001302453.1); c.1372G>A, p.Asp458Asn (NM_001302454.2); short protein forms D458N, D464N, D518N.
Identifiers: ClinVar variation 956802 (VCV000956802.17), dbSNP rs151110715, ClinGen allele CA9211999.

ClinVar aggregate classification (germline): Uncertain significance. Review status: criteria provided, multiple submitters, no conflicts (2 of 4 stars). 3 submissions from 3 submitters: Uncertain significance (3). Last evaluated 2025-10-18.

Conditions:
Inborn genetic diseases. Identifiers: MedGen C0950123, MeSH D030342.
Primary ciliary dyskinesia 30. Also called: CILIARY DYSKINESIA, PRIMARY, 30, WITH OR WITHOUT SITUS INVERSUS. Identifiers: Orphanet 244, MedGen C4015016, MONDO:0014465, OMIM 616037.

Allele frequency attached by ClinVar (database versions not stated): gnomAD exomes below 0.00001; ExAC 0.00001; gnomAD 0.00001; TOPMed 0.00001; 1000 Genomes Project 30x 0.00016; 1000 Genomes Project 0.00020.
gnomAD v4.1: 1 of 1,613,330 alleles (0.000062%); highest among the groups gnomAD compares: African/African-American, 0.0013%; no homozygotes.

Submissions (3):

Ambry Genetics
Classification: Uncertain significance for Inborn genetic diseases. Last evaluated: 2025-10-18. Review status: criteria provided, single submitter. Criteria: Ambry Variant Classification Scheme 2023. Collection method: clinical testing. Allele origin: germline.

CeGaT Center for Human Genetics Tuebingen
Classification: Uncertain significance. Last evaluated: 2025-05-01. Review status: criteria provided, single submitter. Criteria: CeGaT Center For Human Genetics Tuebingen Variant Classification Criteria Version 2. Collection method: clinical testing. Allele origin: germline. Affected: yes. Observed: 1 variant allele.
Comment: ODAD3: PM2, BP4

Labcorp Genetics (formerly Invitae), Labcorp
Classification: Uncertain significance for Primary ciliary dyskinesia 30. Last evaluated: 2021-04-24. Review status: criteria provided, single submitter. Criteria: Invitae Variant Classification Sherloc (09022015). Collection method: clinical testing. Allele origin: germline.
Comment: In summary, the available evidence is currently insufficient to determine the role of this variant in disease. Therefore, it has been classified as a Variant of Uncertain Significance. Algorithms developed to predict the effect of missense changes on protein structure and function output the following: SIFT: "Tolerated"; PolyPhen-2: "Benign"; Align-GVGD: "Class C0". The asparagine amino acid residue is found in multiple mammalian species, suggesting that this missense change does not adversely affect protein function. These predictions have not been confirmed by published functional studies and their clinical significance is uncertain. This variant has not been reported in the literature in individuals with CCDC151-related conditions. This variant is present in population databases (rs151110715, ExAC 0.01%). This sequence change replaces aspartic acid with asparagine at codon 518 of the CCDC151 protein (p.Asp518Asn). The aspartic acid residue is highly conserved and there is a small physicochemical difference between aspartic acid and asparagine.